The following is an entry in ClinVar:

ClinVar aggregate classification (germline): Uncertain significance (1 of 4 stars; one submission).

Conditions:
MOGS-congenital disorder of glycosylation. Also called: MOGS-CDG; GLUCOSIDASE I DEFICIENCY; CDG IIb; CDG 2B. Identifiers: Orphanet 79330, MedGen C1853736, MONDO:0011629, OMIM 606056.

Allele frequency attached by ClinVar (database versions not stated): gnomAD exomes below 0.00001; ExAC 0.00001; gnomAD 0.00001; TOPMed 0.00001.
gnomAD v4.1: 3 of 1,614,092 alleles (0.00019%); highest among the groups gnomAD compares: African/African-American, 0.0027%; no homozygotes.

Submission:

Labcorp Genetics (formerly Invitae), Labcorp
Classification: Uncertain significance for MOGS-congenital disorder of glycosylation. Last evaluated: 2021-11-27. Review status: criteria provided, single submitter. Criteria: Invitae Variant Classification Sherloc (09022015). Collection method: clinical testing. Allele origin: germline.
Comment: In summary, the available evidence is currently insufficient to determine the role of this variant in disease. Therefore, it has been classified as a Variant of Uncertain Significance. Algorithms developed to predict the effect of missense changes on protein structure and function (SIFT, PolyPhen-2, Align-GVGD) all suggest that this variant is likely to be tolerated. This variant has not been reported in the literature in individuals affected with MOGS-related conditions. This variant is present in population databases (rs769788871, gnomAD 0.0009%). This sequence change replaces valine, which is neutral and non-polar, with alanine, which is neutral and non-polar, at codon 335 of the MOGS protein (p.Val335Ala).

NM_006302.3(MOGS):c.1004T>C (p.Val335Ala)

Gene: MOGS (mannosyl-oligosaccharide glucosidase; minus strand). Cytogenetic location: 2p13.1.
Variant type: single nucleotide variant.
Coding change: c.1004T>C on transcript NM_006302.3 (MANE Select); coding-DNA position 1004, T replaced by C.
Protein change: p.Val335Ala; replaces valine 335 with alanine.
Molecular consequence: missense variant.
Genome position (GRCh38, 1-based): chr2:74,462,785, A>G on the plus strand (T>C on the coding strand, the complement: MOGS is on the minus strand). VCF-style: chr2-74462785-A-G. GRCh37 (hg19) VCF-style: chr2-74689912-A-G.
Other names: c.686T>C, p.Val229Ala (NM_001146158.2); short protein forms V229A, V335A.
Identifiers: ClinVar variation 1501700 (VCV001501700.6), dbSNP rs769788871, ClinGen allele CA1724868.